The following is an entry in ClinVar:

ClinVar aggregate classification (germline): Uncertain significance (1 of 4 stars; one submission).

Conditions:
Cardiovascular phenotype. Identifiers: MedGen CN230736.

Submission:

Ambry Genetics
Classification: Uncertain significance for Cardiovascular phenotype. Last evaluated: 2026-01-12. Review status: criteria provided, single submitter. Criteria: Ambry Variant Classification Scheme 2023. Collection method: clinical testing. Allele origin: germline.
Comment: The p.Y2392F variant (also known as c.7175A>T), located in coding exon 24 of the DSP gene, results from an A to T substitution at nucleotide position 7175. The tyrosine at codon 2392 is replaced by phenylalanine, an amino acid with highly similar properties. This amino acid position is conserved. In addition, the in silico prediction for this alteration is inconclusive. Based on the available evidence, the clinical significance of this variant remains unclear.

NM_004415.4(DSP):c.7175A>T (p.Tyr2392Phe)

Gene: DSP (desmoplakin; plus strand). Cytogenetic location: 6p24.3.
Variant type: single nucleotide variant.
Coding change: c.7175A>T on transcript NM_004415.4 (MANE Select); coding-DNA position 7175, A replaced by T.
Protein change: p.Tyr2392Phe; replaces tyrosine 2392 with phenylalanine.
Molecular consequence: missense variant.
Genome position (GRCh38, 1-based): chr6:7,584,437, A>T. VCF-style: chr6-7584437-A-T. GRCh37 (hg19) VCF-style: chr6-7584670-A-T.
Other names: c.5378A>T, p.Tyr1793Phe (NM_001008844.3); c.5846A>T, p.Tyr1949Phe (NM_001319034.2); short protein forms Y2392F, Y1949F, Y1793F.
Identifiers: ClinVar variation 4843727 (VCV004843727.1).
Genomic context (GRCh38, chr6:7,584,437, plus strand): 5'-TCGCAACCGGGGGGATCATTGACCCAAAGGAGAGCCATCGTTTACCAGTTGACATAGCAT[A>T]TAAGAGGGGCTATTTCAATGAGGAACTCAGTGAGATTCTCTCAGATCCAAGTGATGATAC-3'
Protein context (NP_004406.2, residues 2382-2402): ESHRLPVDIA[Tyr2392Phe]KRGYFNEELS